The following is an entry in ClinVar:

NM_000388.4(CASR):c.2666T>C (p.Leu889Pro)

Gene: CASR (calcium sensing receptor; plus strand). Cytogenetic location: 3q21.1.
Variant type: single nucleotide variant.
Coding change: c.2666T>C on transcript NM_000388.4 (MANE Select); coding-DNA position 2666, T replaced by C.
Protein change: p.Leu889Pro; replaces leucine 889 with proline.
Molecular consequence: missense variant.
Genome position (GRCh38, 1-based): chr3:122,284,620, T>C. VCF-style: chr3-122284620-T-C. GRCh37 (hg19) VCF-style: chr3-122003467-T-C.
Other names: c.2696T>C, p.Leu899Pro (NM_001178065.2); short protein forms L899P, L889P.
Identifiers: ClinVar variation 4784626 (VCV004784626.1).
Genomic context (GRCh38, chr3:122,284,620, plus strand): 5'-TCGAGGAGGTGCGTTGCAGCACCGCAGCTCACGCTTTCAAGGTGGCTGCCCGGGCCACGC[T>C]GCGCCGCAGCAACGTCTCCCGCAAGCGGTCCAGCAGCCTTGGAGGCTCCACGGGATCCAC-3'
Protein context (NP_000379.3, residues 879-899): HAFKVAARAT[Leu889Pro]RRSNVSRKRS

ClinVar aggregate classification (germline): Uncertain significance (1 of 4 stars; one submission).

Conditions:
Autosomal dominant hypocalcemia 1 (HYPOC1). Also called: HYPOCALCEMIA, FAMILIAL. Identifiers: MedGen C3715128, MONDO:0011013, OMIM 601198.
Familial hypocalciuric hypercalcemia (FHH). Also called: Familial benign hypercalcemia. Identifiers: Orphanet 405, MedGen C1809471, MONDO:0018458.

Submission:

Labcorp Genetics (formerly Invitae), Labcorp
Classification: Uncertain significance for Familial hypocalciuric hypercalcemia; Autosomal dominant hypocalcemia 1. Last evaluated: 2025-04-07. Review status: criteria provided, single submitter. Criteria: Invitae Variant Classification Sherloc (09022015). Collection method: clinical testing. Allele origin: germline.
Comment: This sequence change replaces leucine, which is neutral and non-polar, with proline, which is neutral and non-polar, at codon 889 of the CASR protein (p.Leu889Pro). This variant is not present in population databases (gnomAD no frequency). This variant has not been reported in the literature in individuals affected with CASR-related conditions. An algorithm developed to predict the effect of missense changes on protein structure and function (PolyPhen-2) suggests that this variant is likely to be disruptive. In summary, the available evidence is currently insufficient to determine the role of this variant in disease. Therefore, it has been classified as a Variant of Uncertain Significance.